The following is an entry in ClinVar:

NM_015139.3(SLC35D1):c.20G>T (p.Arg7Leu)

Gene: SLC35D1 (solute carrier family 35 member D1; minus strand). Cytogenetic location: 1p31.3.
Variant type: single nucleotide variant.
Coding change: c.20G>T on transcript NM_015139.3 (MANE Select); coding-DNA position 20, G replaced by T.
Protein change: p.Arg7Leu; replaces arginine 7 with leucine.
Molecular consequence: missense variant.
Genome position (GRCh38, 1-based): chr1:67,053,994, C>A on the plus strand (G>T on the coding strand, the complement: SLC35D1 is on the minus strand). VCF-style: chr1-67053994-C-A. GRCh37 (hg19) VCF-style: chr1-67519677-C-A.
Other names: short protein forms R7L.
Identifiers: ClinVar variation 1488552 (VCV001488552.7), dbSNP rs1222758290, ClinGen allele CA340708773.

ClinVar aggregate classification (germline): Uncertain significance (1 of 4 stars; one submission).

Conditions:
Schneckenbecken dysplasia. Identifiers: Orphanet 3144, MedGen C0432194, MONDO:0010013, OMIM 269250.

Submission:

Labcorp Genetics (formerly Invitae), Labcorp
Classification: Uncertain significance for Schneckenbecken dysplasia. Last evaluated: 2025-07-30. Review status: criteria provided, single submitter. Criteria: Invitae Variant Classification Sherloc (09022015). Collection method: clinical testing. Allele origin: germline.
Comment: This sequence change replaces arginine, which is basic and polar, with leucine, which is neutral and non-polar, at codon 7 of the SLC35D1 protein (p.Arg7Leu). This variant is present in population databases (no rsID available, gnomAD 0.0009%). This variant has not been reported in the literature in individuals affected with SLC35D1-related conditions. ClinVar contains an entry for this variant (Variation ID: 1488552). An algorithm developed to predict the effect of missense changes on protein structure and function (PolyPhen-2) suggests that this variant is likely to be tolerated. In summary, the available evidence is currently insufficient to determine the role of this variant in disease. Therefore, it has been classified as a Variant of Uncertain Significance.